The following is an entry in ClinVar:

NM_013254.4(TBK1):c.5A>G (p.Gln2Arg)

Gene: TBK1 (TANK binding kinase 1; plus strand). Cytogenetic location: 12q14.2.
Variant type: single nucleotide variant.
Coding change: c.5A>G on transcript NM_013254.4 (MANE Select); coding-DNA position 5, A replaced by G.
Protein change: p.Gln2Arg; replaces glutamine 2 with arginine.
Molecular consequence: missense variant.
Genome position (GRCh38, 1-based): chr12:64,455,875, A>G. VCF-style: chr12-64455875-A-G. GRCh37 (hg19) VCF-style: chr12-64849655-A-G.
Other names: short protein forms Q2R.
Identifiers: ClinVar variation 2880744 (VCV002880744.3), dbSNP rs2539476580, ClinGen allele CA385592740.

ClinVar aggregate classification (germline): Uncertain significance (1 of 4 stars; one submission).

Conditions:
Frontotemporal dementia and/or amyotrophic lateral sclerosis 4. Also called: FTDALS4. Identifiers: Orphanet 275872, MedGen C4225325, MONDO:0014641, OMIM 616439.

Submission:

Labcorp Genetics (formerly Invitae), Labcorp
Classification: Uncertain significance for Frontotemporal dementia and/or amyotrophic lateral sclerosis 4. Last evaluated: 2023-12-14. Review status: criteria provided, single submitter. Criteria: Invitae Variant Classification Sherloc (09022015). Collection method: clinical testing. Allele origin: germline.
Comment: This sequence change replaces glutamine, which is neutral and polar, with arginine, which is basic and polar, at codon 2 of the TBK1 protein (p.Gln2Arg). This variant is not present in population databases (gnomAD no frequency). This variant has not been reported in the literature in individuals affected with TBK1-related conditions. Advanced modeling of protein sequence and biophysical properties (such as structural, functional, and spatial information, amino acid conservation, physicochemical variation, residue mobility, and thermodynamic stability) performed at Invitae indicates that this missense variant is not expected to disrupt TBK1 protein function with a negative predictive value of 95%. In summary, the available evidence is currently insufficient to determine the role of this variant in disease. Therefore, it has been classified as a Variant of Uncertain Significance.